The following is an entry in ClinVar:

NM_000059.4(BRCA2):c.763A>C (p.Asn255His)

Gene: BRCA2 (BRCA2 DNA repair associated; plus strand). Cytogenetic location: 13q13.1.
Variant type: single nucleotide variant.
Coding change: c.763A>C on transcript NM_000059.4 (MANE Select); coding-DNA position 763, A replaced by C.
Protein change: p.Asn255His; replaces asparagine 255 with histidine.
Molecular consequence: missense variant.
Genome position (GRCh38, 1-based): chr13:32,331,000, A>C. VCF-style: chr13-32331000-A-C. GRCh37 (hg19) VCF-style: chr13-32905137-A-C.
Other names: short protein forms N255H.
Identifiers: ClinVar variation 948153 (VCV000948153.12), dbSNP rs2072386794, ClinGen allele CA387760138.

ClinVar aggregate classification (germline): Conflicting classifications of pathogenicity. Review status: criteria provided, conflicting classifications (1 of 4 stars). 3 submissions from 3 submitters: Uncertain significance (2); Likely benign (1). Last evaluated 2024-12-13.

Conditions:
Hereditary cancer-predisposing syndrome. Also called: Hereditary neoplastic syndrome; Neoplastic Syndromes, Hereditary; Tumor predisposition; Hereditary Cancer Syndrome. Identifiers: Orphanet 140162, MedGen C0027672, MeSH D009386, MONDO:0015356.
Hereditary breast ovarian cancer syndrome. Also called: Hereditary breast and/or ovarian cancer syndrome; Hereditary breast and ovarian cancer syndrome; Hereditary breast and ovarian cancer syndrome (HBOC); Breast and ovarian cancer; BRCA1- and BRCA2-Associated Hereditary Breast and Ovarian Cancer; Hereditary breast and ovarian cancer. Identifiers: Orphanet 145, MedGen C0677776, MeSH D061325, MONDO:0003582. Disease mechanism: loss of function.
Familial cancer of breast. Also called: Hereditary breast cancer; hereditary breast carcinoma; BREAST CANCER, FAMILIAL. Identifiers: Orphanet 227535, MedGen C0346153, MONDO:0016419, OMIM 114480. Disease mechanism: loss of function.

Submissions (3):

Ambry Genetics
Classification: Likely benign for Hereditary cancer-predisposing syndrome. Last evaluated: 2024-12-13. Review status: criteria provided, single submitter. Criteria: Ambry Variant Classification Scheme 2023. Collection method: clinical testing. Allele origin: germline.

Baylor Genetics
Classification: Uncertain significance for Familial cancer of breast. Last evaluated: 2023-05-04. Review status: criteria provided, single submitter. Criteria: ACMG Guidelines, 2015. Collection method: clinical testing. Allele origin: unknown.

Labcorp Genetics (formerly Invitae), Labcorp
Classification: Uncertain significance for Hereditary breast ovarian cancer syndrome. Last evaluated: 2019-04-23. Review status: criteria provided, single submitter. Criteria: Invitae Variant Classification Sherloc (09022015). Collection method: clinical testing. Allele origin: germline.
Comment: This sequence change replaces asparagine with histidine at codon 255 of the BRCA2 protein (p.Asn255His). The asparagine residue is highly conserved and there is a small physicochemical difference between asparagine and histidine. This variant is not present in population databases (ExAC no frequency). This variant has not been reported in the literature in individuals with BRCA2-related conditions. Algorithms developed to predict the effect of missense changes on protein structure and function are either unavailable or do not agree on the potential impact of this missense change (SIFT: "Deleterious"; PolyPhen-2: "Probably Damaging"; Align-GVGD: "Class C0"). In summary, the available evidence is currently insufficient to determine the role of this variant in disease. Therefore, it has been classified as a Variant of Uncertain Significance.